The following is an entry in ClinVar:

ClinVar aggregate classification (germline): Uncertain significance. Review status: criteria provided, single submitter (1 of 4 stars). 2 submissions from 2 submitters: Uncertain significance (1). 1 of the submissions does not count toward it. Last evaluated 2022-11-01.

Conditions:
CLASP1-related disorder. Also called: CLASP1-related condition.

Allele frequency attached by ClinVar (database versions not stated): ExAC 0.00009; 1000 Genomes Project 0.00040; 1000 Genomes Project 30x 0.00047; TOPMed 0.00072.
gnomAD v4.1: 271 of 700,376 alleles (0.039%); highest among the groups gnomAD compares: African/African-American, 0.16%; no homozygotes.

Submissions (2):

Labcorp Genetics (formerly Invitae), Labcorp
Classification: Uncertain significance. Last evaluated: 2022-11-01. Review status: criteria provided, single submitter. Criteria: Invitae Variant Classification Sherloc (09022015). Collection method: clinical testing. Allele origin: germline.
Comment: This variant occurs in the RNU4ATAC gene, which encodes an RNA molecule that does not result in a protein product. This variant is present in population databases (rs557186710, gnomAD 0.2%). This variant has not been reported in the literature in individuals affected with RNU4ATAC-related conditions. ClinVar contains an entry for this variant (Variation ID: 1040331). This variant is located within the 5' stem-loop region of the RNU4ATAC RNA, which includes the 15.5K binding site and is important for spliceosome assembly (PMID: 32628740). A significant number of disease-associated RNU4ATAC variants are found in this region (PMID: 32628740, 30368667). In summary, the available evidence is currently insufficient to determine the role of this variant in disease. Therefore, it has been classified as a Variant of Uncertain Significance.

PreventionGenetics, part of Exact Sciences
Classification: Likely benign for CLASP1-related condition. Last evaluated: 2019-06-06. Review status: no assertion criteria provided. Collection method: clinical testing. Allele origin: germline. Not counted in ClinVar's aggregate classification.
Comment: This variant is classified as likely benign based on ACMG/AMP sequence variant interpretation guidelines (Richards et al. 2015 PMID: 25741868, with internal and published modifications).

Literature cited by the submitters: PubMed 32628740 (cited by Labcorp Genetics (formerly Invitae), Labcorp); PubMed 30368667 (cited by Labcorp Genetics (formerly Invitae), Labcorp).

NM_001395891.1(CLASP1):c.196-606C>T

Genes: CLASP1 (cytoplasmic linker associated protein 1; minus strand), CLASP1-AS1 (CLASP1 antisense RNA 1; plus strand), RNU4ATAC (RNA, U4atac small nuclear; plus strand). Cytogenetic location: 2q14.2.
Variant type: single nucleotide variant.
Coding change: c.196-606C>T on transcript NM_001395891.1 (MANE Select); 606 bases into the intron before coding-DNA position 196, C replaced by T.
Molecular consequence: intron variant.
Genome position (GRCh38, 1-based): chr2:121,530,931, G>A on the plus strand (C>T on the coding strand, the complement: CLASP1 is on the minus strand). VCF-style: chr2-121530931-G-A. GRCh37 (hg19) VCF-style: chr2-122288507-G-A.
Other names: c.196-606C>T (NM_001142274.2, NM_015282.3, NM_001378003.1 and 4 more transcripts).
Identifiers: ClinVar variation 1040331 (VCV001040331.6), dbSNP rs557186710, ClinGen allele CA1854704.